The following is an entry in ClinVar:

ClinVar aggregate classification (germline): Uncertain significance. Review status: criteria provided, multiple submitters, no conflicts (2 of 4 stars). 2 submissions from 2 submitters: Uncertain significance (2). Last evaluated 2024-06-26.

Allele frequency attached by ClinVar (database versions not stated): TOPMed 0.00001; gnomAD exomes 0.00002.
gnomAD v4.1: 28 of 1,613,918 alleles (0.0017%); highest among the groups gnomAD compares: Non-Finnish European, 0.0024%; no homozygotes.

Submissions (2):

Ambry Genetics
Classification: Uncertain significance. Last evaluated: 2024-06-26. Review status: criteria provided, single submitter. Criteria: Ambry Variant Classification Scheme 2023. Collection method: clinical testing. Allele origin: germline.

Labcorp Genetics (formerly Invitae), Labcorp
Classification: Uncertain significance. Last evaluated: 2024-06-22. Review status: criteria provided, single submitter. Criteria: Invitae Variant Classification Sherloc (09022015). Collection method: clinical testing. Allele origin: germline.
Comment: This sequence change replaces alanine, which is neutral and non-polar, with serine, which is neutral and polar, at codon 1134 of the NPAT protein (p.Ala1134Ser). This variant is present in population databases (no rsID available, gnomAD 0.002%). This variant has not been reported in the literature in individuals affected with NPAT-related conditions. ClinVar contains an entry for this variant (Variation ID: 2496680). An algorithm developed to predict the effect of missense changes on protein structure and function (PolyPhen-2) suggests that this variant is likely to be tolerated. In summary, the available evidence is currently insufficient to determine the role of this variant in disease. Therefore, it has been classified as a Variant of Uncertain Significance.

NM_002519.3(NPAT):c.3400G>T (p.Ala1134Ser)

Gene: NPAT (nuclear protein, coactivator of histone transcription; minus strand). Cytogenetic location: 11q22.3.
Variant type: single nucleotide variant.
Coding change: c.3400G>T on transcript NM_002519.3 (MANE Select); coding-DNA position 3400, G replaced by T.
Protein change: p.Ala1134Ser; replaces alanine 1134 with serine.
Molecular consequence: missense variant.
Genome position (GRCh38, 1-based): chr11:108,161,686, C>A on the plus strand (G>T on the coding strand, the complement: NPAT is on the minus strand). VCF-style: chr11-108161686-C-A. GRCh37 (hg19) VCF-style: chr11-108032413-C-A.
Other names: c.3421G>T, p.Ala1141Ser (NM_001321307.1); short protein forms A1134S, A1141S.
Identifiers: ClinVar variation 2496680 (VCV002496680.5), dbSNP rs980012888, ClinGen allele CA228373995.